The following is an entry in ClinVar:

NM_004959.5(NR5A1):c.236_238del (p.Arg79del)

Gene: NR5A1 (nuclear receptor subfamily 5 group A member 1; minus strand). Cytogenetic location: 9q33.3.
Variant type: Deletion.
Coding change: c.236_238del on transcript NM_004959.5 (MANE Select); coding-DNA positions 236 to 238, 3 bases deleted (GCC; older notation c.236_238delGCC).
Protein change: p.Arg79del; deletes arginine 79.
Molecular consequence: inframe deletion.
Genome position (GRCh38, 1-based): chr9:124,503,085-124,503,087, GGC deleted on the plus strand (GCC on the coding strand, the reverse complement: NR5A1 is on the minus strand); deleting any 3 consecutive bases within chr9:124,503,085-124,503,088 gives the same sequence; the c. name uses the placement nearest the transcript's 3' end. VCF-style (leftmost placement, unchanged base first): chr9-124503084-AGGC-A. GRCh37 (hg19) VCF-style: chr9-127265363-AGGC-A.
Other names: short protein forms R79del.
Identifiers: ClinVar variation 471062 (VCV000471062.1), dbSNP rs1554721859, ClinGen allele CA658657899.
Genomic context (GRCh38, chr9:124,503,084, plus strand): 5'-CCCCTACCCCCTCAGGCTGTGGGGGGTCAGGGGTCGAGGCCCGCGCGGCGCGCACCTTCC[AGGC>A]GCATCCCCACCGTCAGGCATTTCTGGAAGCGGCAGAAGGGACAGCGCTTGCGCTGCGTCT-3'

ClinVar aggregate classification (germline): Uncertain significance (1 of 4 stars; one submission).

Conditions:
46,XY sex reversal 3. Also called: 46,XY SEX REVERSAL, PARTIAL OR COMPLETE, NR5A1-RELATED; 46,XY GONADAL DYSGENESIS, PARTIAL OR COMPLETE, WITH OR WITHOUT ADRENAL FAILURE; DISORDER OF SEX DEVELOPMENT, 46,XY, NR5A1-RELATED; NR5A1-related 46,XY complete gonadal dysgenesis; SEX REVERSAL, XY, WITH OR WITHOUT ADRENAL FAILURE. Identifiers: MedGen C3489793, MONDO:0013066, OMIM 612965.
Oligosynaptic infertility (SPGF1). Also called: OLIGOCHIASMATIC INFERTILITY; SPERMATOGENIC FAILURE 1. Identifiers: MedGen C0403810, MONDO:0009776, OMIM 258150.

Submission:

Labcorp Genetics (formerly Invitae), Labcorp
Classification: Uncertain significance for 46,XY disorder of sex development; Oligosynaptic infertility. Last evaluated: 2017-03-30. Review status: criteria provided, single submitter. Criteria: Invitae Variant Classification Sherloc (09022015). Collection method: clinical testing. Allele origin: germline.
Comment: This sequence change deletes 3 nucleotides from exon 3 of the NR5A1 mRNA (c.236_238delGCC). This leads to the deletion of 1 amino acid residue in the NR5A1 protein (p.Arg79del) but otherwise preserves the integrity of the reading frame. This variant is not present in population databases (ExAC no frequency) and has not been reported in the literature in individuals with an NR5A1-related disease. Experimental studies and prediction algorithms are not available for this variant, and the functional significance of the deleted amino acid is currently unknown. In summary, this is a novel in-frame deletion with uncertain impact on protein function. It has been classified as a Variant of Uncertain Significance.